The following is an entry in ClinVar:

ClinVar aggregate classification (germline): Pathogenic (1 of 4 stars; one submission).

Allele frequency attached by ClinVar (database versions not stated): gnomAD exomes below 0.00001; TOPMed below 0.00001.
gnomAD v4.1: 1 of 1,606,630 alleles (0.000062%); highest among the groups gnomAD compares: Admixed American, 0.0017%; no homozygotes.

Submission:

Labcorp Genetics (formerly Invitae), Labcorp
Classification: Pathogenic. Last evaluated: 2021-01-03. Review status: criteria provided, single submitter. Criteria: Invitae Variant Classification Sherloc (09022015). Collection method: clinical testing. Allele origin: germline.
Comment: For these reasons, this variant has been classified as Pathogenic. This variant has not been reported in the literature in individuals with MAK-related conditions. This variant is not present in population databases (ExAC no frequency). This sequence change creates a premature translational stop signal (p.Tyr107*) in the MAK gene. It is expected to result in an absent or disrupted protein product. Loss-of-function variants in MAK are known to be pathogenic (PMID: 21148103, 21825139, 24938718, 29781741).

Literature cited by the submitters: PubMed 21148103; PubMed 21825139; PubMed 24938718; PubMed 29781741.

NM_001242957.3(MAK):c.321T>A (p.Tyr107Ter)

Gene: MAK (male germ cell associated kinase; minus strand). Cytogenetic location: 6p24.2.
Variant type: single nucleotide variant.
Coding change: c.321T>A on transcript NM_001242957.3 (MANE Select); coding-DNA position 321, T replaced by A.
Protein change: p.Tyr107Ter; replaces tyrosine 107 with a stop codon.
Molecular consequence: nonsense. On other transcripts: non-coding transcript variant (2).
Genome position (GRCh38, 1-based): chr6:10,813,681, A>T on the plus strand (T>A on the coding strand, the complement: MAK is on the minus strand). VCF-style: chr6-10813681-A-T. GRCh37 (hg19) VCF-style: chr6-10813914-A-T.
Other names: c.321T>A, p.Tyr107Ter (NM_001242385.2, NM_005906.6); c.219T>A, p.Tyr73Ter (NM_001377262.1); short protein forms Y107*, Y73*.
Identifiers: ClinVar variation 1459417 (VCV001459417.6), dbSNP rs1341598207, ClinGen allele CA362721127.